The following is an entry in ClinVar:

ClinVar aggregate classification (germline): Pathogenic/Likely pathogenic. Review status: criteria provided, multiple submitters, no conflicts (2 of 4 stars). 2 submissions from 2 submitters: Pathogenic (1); Likely pathogenic (1). Last evaluated 2023-08-01.

Conditions:
Birt-Hogg-Dube syndrome. Also called: Birt Hogg Dubé syndrome. Identifiers: Orphanet 122, MedGen C0346010, MONDO:0800444.

Submissions (2):

Myriad Genetics, Inc.
Classification: Pathogenic for Birt-Hogg-Dube syndrome 1. Last evaluated: 2023-08-01. Review status: criteria provided, single submitter. Criteria: Myriad Autosomal Dominant, Autosomal Recessive and X-Linked Classification Criteria (2023). Collection method: clinical testing. Allele origin: unknown.
Comment: This variant is considered pathogenic. This variant creates a frameshift predicted to result in premature protein truncation.

GeneDx
Classification: Likely pathogenic. Last evaluated: 2017-06-02. Review status: criteria provided, single submitter. Criteria: GeneDx Variant Classification (06012015). Collection method: clinical testing. Allele origin: germline. Affected: yes.
Comment: The c.932delC variant in the FLCN gene has not been published as a pathogenic variant, nor has it been reported as a benign variant to our knowledge. This deletion causes a frameshift starting with codon Proline 311, changes this amino acid to a Leucine residue and creates a premature Stop codon at position 12 of the new reading frame, denoted p.Pro311LeufsX12. This variant is predicted to cause loss of normal protein function either through protein truncation or nonsense-mediated mRNA decay. Based on currently available evidence, c.932delC is a strong candidate for a pathogenic variant. However, the possibility it may be a rare benign variant cannot be excluded.

NM_144997.7(FLCN):c.932del (p.Pro311fs)

Gene: FLCN (folliculin; minus strand). Cytogenetic location: 17p11.2.
Variant type: Deletion.
Coding change: c.932del on transcript NM_144997.7 (MANE Select); coding-DNA position 932, one base deleted (C; older notation c.932delC).
Protein change: p.Pro311fs; shifts the reading frame from proline 311.
Molecular consequence: frameshift variant.
Genome position (GRCh38, 1-based): chr17:17,219,149, G deleted on the plus strand (C on the coding strand, the reverse complement: FLCN is on the minus strand); the first of 4 consecutive G bases (chr17:17,219,149-17,219,152); deleting any one gives the same sequence. VCF-style (leftmost placement, unchanged base first): chr17-17219148-AG-A. GRCh37 (hg19) VCF-style: chr17-17122462-AG-A.
Other names: c.932del (LRG_325t1); c.986del, p.Pro329fs (NM_001353229.2); c.932del, p.Pro311fs (NM_001353230.2, NM_001353231.2); short protein forms P311fs, P329fs.
Identifiers: ClinVar variation 432598 (VCV000432598.3), dbSNP rs1555608617, ClinGen allele CA645373074.